The following is an entry in ClinVar:

NM_001458.5(FLNC):c.7247T>A (p.Leu2416His)

Genes: FLNC-AS1 (FLNC antisense RNA 1; minus strand), FLNC (filamin C; plus strand). Cytogenetic location: 7q32.1.
Variant type: single nucleotide variant.
Coding change: c.7247T>A on transcript NM_001458.5 (MANE Select); coding-DNA position 7247, T replaced by A.
Protein change: p.Leu2416His; replaces leucine 2416 with histidine.
Molecular consequence: missense variant.
Genome position (GRCh38, 1-based): chr7:128,855,310, T>A. VCF-style: chr7-128855310-T-A. GRCh37 (hg19) VCF-style: chr7-128495364-T-A.
Other names: c.7148T>A, p.Leu2383His (NM_001127487.2); short protein forms L2383H, L2416H.
Identifiers: ClinVar variation 4812356 (VCV004812356.1).

ClinVar aggregate classification (germline): Uncertain significance (1 of 4 stars; one submission).

Conditions:
Myofibrillar myopathy 5. Also called: FILAMINOPATHY, AUTOSOMAL DOMINANT; Filaminopathy (type). Identifiers: Orphanet 171445, MedGen C1836050, MONDO:0012289, OMIM 609524.
Distal myopathy with posterior leg and anterior hand involvement. Also called: WILLIAMS DISTAL MYOPATHY. Identifiers: Orphanet 63273, MedGen C3279722, MONDO:0013550, OMIM 614065.
Hypertrophic cardiomyopathy 26. Also called: Cardiomyopathy, familial hypertrophic, 26. Identifiers: Orphanet 75249, MedGen C4310749, MONDO:0014883, OMIM 617047.

Submission:

Labcorp Genetics (formerly Invitae), Labcorp
Classification: Uncertain significance for Distal myopathy with posterior leg and anterior hand involvement; Myofibrillar myopathy 5; Hypertrophic cardiomyopathy 26. Last evaluated: 2025-04-13. Review status: criteria provided, single submitter. Criteria: Invitae Variant Classification Sherloc (09022015). Collection method: clinical testing. Allele origin: germline.
Comment: This sequence change replaces leucine, which is neutral and non-polar, with histidine, which is basic and polar, at codon 2416 of the FLNC protein (p.Leu2416His). This variant is not present in population databases (gnomAD no frequency). This variant has not been reported in the literature in individuals affected with FLNC-related conditions. Invitae Evidence Modeling of protein sequence and biophysical properties (such as structural, functional, and spatial information, amino acid conservation, physicochemical variation, residue mobility, and thermodynamic stability) indicates that this missense variant is not expected to disrupt FLNC protein function with a negative predictive value of 80%. In summary, the available evidence is currently insufficient to determine the role of this variant in disease. Therefore, it has been classified as a Variant of Uncertain Significance.